The following is an entry in ClinVar:

ClinVar aggregate classification (germline): Likely benign (1 of 4 stars; one submission).

gnomAD v4.1: 319 of 1,231,868 alleles (0.026%); highest among the groups gnomAD compares: East Asian, 0.91%; 3 homozygotes.

Submission:

CeGaT Center for Human Genetics Tuebingen
Classification: Likely benign. Last evaluated: 2026-07-01. Review status: criteria provided, single submitter. Criteria: CeGaT Center For Human Genetics Tuebingen Variant Classification Criteria Version 2. Collection method: clinical testing. Allele origin: germline. Affected: yes. Observed: 1 variant allele.
Comment: ERFL: BP4, BP7

NM_001365103.2(ERFL):c.696C>T (p.Asn232=)

Genes: ARHGEF1 (Rho guanine nucleotide exchange factor 1; plus strand), ERFL (ETS repressor factor like; minus strand). Cytogenetic location: 19q13.2.
Variant type: single nucleotide variant.
Coding change: c.696C>T on transcript NM_001365103.2 (MANE Select); coding-DNA position 696, C replaced by T.
Protein change: p.Asn232=; no amino-acid change (asparagine 232 retained).
Molecular consequence: synonymous variant. On other transcripts: intron variant (2).
Genome position (GRCh38, 1-based): chr19:41,908,597, G>A on the plus strand (C>T on the coding strand, the complement: ERFL is on the minus strand). VCF-style: chr19-41908597-G-A. GRCh37 (hg19) VCF-style: chr19-42412749-G-A.
Other names: c.2592+1794G>A (NM_001396003.1); c.2493+1794G>A (NM_001396002.1).
Identifiers: ClinVar variation 5038723 (VCV005038723.1).